The following is an entry in ClinVar:

ClinVar aggregate classification (germline): Pathogenic. Review status: criteria provided, multiple submitters, no conflicts (2 of 4 stars). 2 submissions from 2 submitters: Pathogenic (2). Last evaluated 2023-09-29.

Conditions:
Osteogenesis imperfecta type I (OI1). Also called: OI, TYPE I; OSTEOGENESIS IMPERFECTA TARDA; OSTEOGENESIS IMPERFECTA WITH BLUE SCLERAE; Osteogenesis imperfecta type 1; Classic Non-deforming Osteogenesis Imperfecta with Blue Sclerae; Lobstein's Disease. Identifiers: Orphanet 216796, Orphanet 666, MedGen C0023931, MONDO:0008146, OMIM 166200. Disease mechanism: loss of function.

Submissions (2):

Labcorp Genetics (formerly Invitae), Labcorp
Classification: Pathogenic for Osteogenesis imperfecta type I. Last evaluated: 2023-09-29. Review status: criteria provided, single submitter. Criteria: Invitae Variant Classification Sherloc (09022015). Collection method: clinical testing. Allele origin: germline.
Comment: This sequence change creates a premature translational stop signal (p.Arg1217Glyfs*22) in the COL1A1 gene. It is expected to result in an absent or disrupted protein product. Loss-of-function variants in COL1A1 are known to be pathogenic (PMID: 7942841, 9295084, 9443882). This variant is not present in population databases (gnomAD no frequency). This variant has not been reported in the literature in individuals affected with COL1A1-related conditions. ClinVar contains an entry for this variant (Variation ID: 1074867). For these reasons, this variant has been classified as Pathogenic.

Baylor Genetics
Classification: Pathogenic for Osteogenesis imperfecta type I. Last evaluated: 2022-11-09. Review status: criteria provided, single submitter. Criteria: ACMG Guidelines, 2015. Collection method: clinical testing. Allele origin: unknown.

Literature cited by the submitters: PubMed 7942841 (cited by Labcorp Genetics (formerly Invitae), Labcorp); PubMed 9295084 (cited by Labcorp Genetics (formerly Invitae), Labcorp); PubMed 9443882 (cited by Labcorp Genetics (formerly Invitae), Labcorp).

NM_000088.4(COL1A1):c.3649del (p.Arg1217fs)

Gene: COL1A1 (collagen type I alpha 1 chain; minus strand). Cytogenetic location: 17q21.33.
Variant type: Deletion.
Coding change: c.3649del on transcript NM_000088.4 (MANE Select); coding-DNA position 3649, one base deleted (C; older notation c.3649delC).
Protein change: p.Arg1217fs; shifts the reading frame from arginine 1217.
Molecular consequence: frameshift variant.
Genome position (GRCh38, 1-based): chr17:50,186,805, G deleted on the plus strand (C on the coding strand, the reverse complement: COL1A1 is on the minus strand); the first of 2 consecutive G bases (chr17:50,186,805-50,186,806); deleting either gives the same sequence. VCF-style (leftmost placement, unchanged base first): chr17-50186804-CG-C. GRCh37 (hg19) VCF-style: chr17-48264165-CG-C.
Other names: short protein forms R1217fs.
Identifiers: ClinVar variation 1074867 (VCV001074867.8), dbSNP rs2144537122, ClinGen allele CA2499224712.